The following is an entry in ClinVar:

ClinVar aggregate classification (germline): Uncertain significance. Review status: criteria provided, multiple submitters, no conflicts (2 of 4 stars). 4 submissions from 4 submitters: Uncertain significance (4). Last evaluated 2026-01-05.

Conditions:
Inborn genetic diseases. Identifiers: MedGen C0950123, MeSH D030342.

Allele frequency attached by ClinVar (database versions not stated): TOPMed 0.00003; gnomAD exomes 0.00005; ExAC 0.00007; gnomAD 0.00007.
gnomAD v4.1: 90 of 1,582,386 alleles (0.0057%); highest among the groups gnomAD compares: Admixed American, 0.0055%; no homozygotes.

Submissions (4):

Labcorp Genetics (formerly Invitae), Labcorp
Classification: Uncertain significance. Last evaluated: 2026-01-05. Review status: criteria provided, single submitter. Criteria: Invitae Variant Classification Sherloc (09022015). Collection method: clinical testing. Allele origin: germline.
Comment: This sequence change replaces alanine, which is neutral and non-polar, with threonine, which is neutral and polar, at codon 909 of the MYO7A protein (p.Ala909Thr). This variant is present in population databases (rs782286796, gnomAD 0.03%). This variant has not been reported in the literature in individuals affected with MYO7A-related conditions. ClinVar contains an entry for this variant (Variation ID: 2065934). Invitae Evidence Modeling of protein sequence and biophysical properties (such as structural, functional, and spatial information, amino acid conservation, physicochemical variation, residue mobility, and thermodynamic stability) indicates that this missense variant is not expected to disrupt MYO7A protein function with a negative predictive value of 95%. In summary, the available evidence is currently insufficient to determine the role of this variant in disease. Therefore, it has been classified as a Variant of Uncertain Significance.

GeneDx
Classification: Uncertain significance. Last evaluated: 2025-06-06. Review status: criteria provided, single submitter. Criteria: GeneDx Variant Classification Process June 2021. Collection method: clinical testing. Allele origin: germline.
Comment: In silico analysis suggests that this missense variant does not alter protein structure/function; Has not been previously published as pathogenic or benign to our knowledge

Blueprint Genetics
Classification: Uncertain significance. Last evaluated: 2024-05-22. Review status: criteria provided, single submitter. Criteria: ACMG Guidelines, 2015. Collection method: clinical testing. Allele origin: germline.

Ambry Genetics
Classification: Uncertain significance for Inborn genetic diseases. Last evaluated: 2023-01-25. Review status: criteria provided, single submitter. Criteria: Ambry Variant Classification Scheme 2023. Collection method: clinical testing. Allele origin: germline.

NM_000260.4(MYO7A):c.2725G>A (p.Ala909Thr)

Gene: MYO7A (myosin VIIA; plus strand). Cytogenetic location: 11q13.5.
Variant type: single nucleotide variant.
Coding change: c.2725G>A on transcript NM_000260.4 (MANE Select); coding-DNA position 2725, G replaced by A.
Protein change: p.Ala909Thr; replaces alanine 909 with threonine.
Molecular consequence: missense variant.
Genome position (GRCh38, 1-based): chr11:77,181,410, G>A. VCF-style: chr11-77181410-G-A. GRCh37 (hg19) VCF-style: chr11-76892456-G-A.
Other names: c.2725G>A, p.Ala909Thr (NM_001127180.2); c.2692G>A, p.Ala898Thr (NM_001369365.1); c.2725G>A (NM_000260.3); short protein forms A898T, A909T.
Identifiers: ClinVar variation 2065934 (VCV002065934.7), dbSNP rs782286796, ClinGen allele CA6197918.